The following is an entry in ClinVar:

GRCh37/hg19 Xp22.12(chrX:21606719-21774071)x1

Genes: CNKSR2 (connector enhancer of kinase suppressor of Ras 2; plus strand), KLHL34 (kelch like family member 34; minus strand), SMPX (small muscle protein X-linked; minus strand). Cytogenetic location: Xp22.12.
Variant type: copy number loss.
Change: copy number 1 of chrX:21,606,719-21,774,071 (167.4 kb, GRCh37 coordinates, 1-based), cytogenetic band Xp22.12.
Identifiers: ClinVar variation 1807717 (VCV001807717.1).

ClinVar aggregate classification (germline): Pathogenic (1 of 4 stars; one submission).

Submission:

Quest Diagnostics Nichols Institute San Juan Capistrano
Classification: Pathogenic. Last evaluated: 2021-07-26. Review status: criteria provided, single submitter. Criteria: ACMG/ClinGen CNV Guidelines, 2019. Collection method: clinical testing. Allele origin: unknown.
Comment: The copy number loss of Xp22.12 involves 3-prime segments of both CNKSR2 (OMIM 300724; NM_014927.5) and SMPX (OMIM 300226; NM_014332.3) and is expected to cause phenotypic and/or developmental abnormalities. Haploinsufficiency of CNKSR2 via loss-of-function sequence variants and whole/partial gene deletions are associated with Houge-type X-linked syndromic intellectual disability (MRXSHG; OMIM 301008). Common features of MRXSHG include developmental delay, intellectual disability, speech and language delay, and early-onset seizures. Female carriers may be mildly affected (Bonardi et al. Clin Neurophysiol. 2020 May;131(5):1030-1039. PMID: 32197126; Daoqi et al., BMC Med Genet. 2020 Apr 3;21(1):69. PMID: 32245427; Damiano et al., Epilepsia. 2017 Mar;58(3):e40-e43. PMID: 28098945). Additionally, loss-of-function variants of SMPX are associated with X-linked deafness-4 (OMIM 300066), a nonsyndromic form of progressive hearing loss with post-lingual onset. Affected males show earlier onset of hearing loss than affected females (Lv et al. Mol Genet Genomic Med. 2019 Nov;7(11):e967. PMID: 31478598; Morgan et al., Front Genet. 2018 Dec 21;9:681. PMID: 30622556; Baux et al. Sci Rep. 2017 Dec 1;7(1):16783. PMID: 29196752; Niu et al. Int J Pediatr Otorhinolaryngol. 2018 Jan;104:47-50. PMID: 29287879; del Castillo et al., Hum Mol Genet. 1996 Sep;5(9):1383-7. PMID: 8872482). Of note, the clinical presentation of female carriers of an X-linked pathogenic copy number variant depends on X-inactivation patterns.